The following is an entry in ClinVar:

NM_022095.4(ZNF335):c.652C>T (p.Gln218Ter)

Gene: ZNF335 (zinc finger protein 335; minus strand). Cytogenetic location: 20q13.12.
Variant type: single nucleotide variant.
Coding change: c.652C>T on transcript NM_022095.4 (MANE Select); coding-DNA position 652, C replaced by T.
Protein change: p.Gln218Ter; replaces glutamine 218 with a stop codon.
Molecular consequence: nonsense.
Genome position (GRCh38, 1-based): chr20:45,967,896, G>A on the plus strand (C>T on the coding strand, the complement: ZNF335 is on the minus strand). VCF-style: chr20-45967896-G-A. GRCh37 (hg19) VCF-style: chr20-44596535-G-A.
Other names: short protein forms Q218*.
Identifiers: ClinVar variation 2073392 (VCV002073392.4), dbSNP rs1311197882, ClinGen allele CA409192626.

ClinVar aggregate classification (germline): Pathogenic (1 of 4 stars; one submission).

Submission:

Labcorp Genetics (formerly Invitae), Labcorp
Classification: Pathogenic. Last evaluated: 2022-08-23. Review status: criteria provided, single submitter. Criteria: Invitae Variant Classification Sherloc (09022015). Collection method: clinical testing. Allele origin: germline.
Comment: This sequence change creates a premature translational stop signal (p.Gln218*) in the ZNF335 gene. It is expected to result in an absent or disrupted protein product. Loss-of-function variants in ZNF335 are known to be pathogenic (PMID: 23178126, 26795593). This variant is not present in population databases (gnomAD no frequency). This variant has not been reported in the literature in individuals affected with ZNF335-related conditions. For these reasons, this variant has been classified as Pathogenic.

Literature cited by the submitters: PubMed 23178126; PubMed 26795593.